The following is an entry in ClinVar:

ClinVar aggregate classification (germline): Likely benign. Review status: criteria provided, multiple submitters, no conflicts (2 of 4 stars). 2 submissions from 2 submitters: Likely benign (2). Last evaluated 2025-08-13.

Conditions:
Hereditary diffuse gastric adenocarcinoma (HDGC). Also called: DIFFUSE GASTRIC AND LOBULAR BREAST CANCER SYNDROME. Identifiers: Orphanet 26106, MedGen C1708349, MONDO:0007648, OMIM 137215.

Submissions (2):

Labcorp Genetics (formerly Invitae), Labcorp
Classification: Likely benign. Last evaluated: 2025-08-13. Review status: criteria provided, single submitter. Criteria: Invitae Variant Classification Sherloc (09022015). Collection method: clinical testing. Allele origin: germline.

Myriad Genetics, Inc.
Classification: Likely benign for Hereditary diffuse gastric adenocarcinoma. Last evaluated: 2024-10-14. Review status: criteria provided, single submitter. Criteria: Myriad Autosomal Dominant, Autosomal Recessive and X-Linked Classification Criteria (2023). Collection method: clinical testing. Allele origin: unknown.
Comment: This variant is considered likely benign. This variant is intronic and is not expected to impact mRNA splicing.

NM_001903.5(CTNNA1):c.1900-20G>A

Gene: CTNNA1 (catenin alpha 1; plus strand). Cytogenetic location: 5q31.2.
Variant type: single nucleotide variant.
Coding change: c.1900-20G>A on transcript NM_001903.5 (MANE Select); 20 bases into the intron before coding-DNA position 1900, G replaced by A.
Molecular consequence: intron variant.
Genome position (GRCh38, 1-based): chr5:138,929,226, G>A. VCF-style: chr5-138929226-G-A. GRCh37 (hg19) VCF-style: chr5-138264915-G-A.
Other names: c.1900-20G>A (NM_001323982.2, NM_001323984.2, NM_001290307.3 and 2 more transcripts); c.1807-20G>A (NM_001323986.2); c.1531-20G>A (NM_001290310.3); c.1591-20G>A (NM_001290309.3); c.790-20G>A (NM_001323996.1, NM_001323993.1, NM_001324005.1 and 17 more transcripts); c.451-20G>A (NM_001324007.1, NM_001324009.1, NM_001324006.1 and 2 more transcripts); c.547-20G>A (NM_001324013.1, NM_001324012.1); c.697-20G>A (NM_001324011.1).
Identifiers: ClinVar variation 3773233 (VCV003773233.2).